The following is an entry in ClinVar:

ClinVar aggregate classification (germline): Likely benign. Review status: criteria provided, multiple submitters, no conflicts (2 of 4 stars). 2 submissions from 2 submitters: Likely benign (2). Last evaluated 2025-07-06.

Conditions:
Rafiq syndrome (RAFQS). Identifiers: Orphanet 88616, MedGen C3280127, MONDO:0013624, OMIM 614202.

Allele frequency attached by ClinVar (database versions not stated): ExAC 0.00002; gnomAD 0.00003 and 0.00004; gnomAD exomes 0.00003 and 0.00005; TOPMed 0.00006; ESP Exome Variant Server 0.00024.

Submissions (2):

Labcorp Genetics (formerly Invitae), Labcorp
Classification: Likely benign for Rafiq syndrome. Last evaluated: 2025-07-06. Review status: criteria provided, single submitter. Criteria: Invitae Variant Classification Sherloc (09022015). Collection method: clinical testing. Allele origin: germline.

CeGaT Center for Human Genetics Tuebingen
Classification: Likely benign. Last evaluated: 2023-01-01. Review status: criteria provided, single submitter. Criteria: CeGaT Center For Human Genetics Tuebingen Variant Classification Criteria Version 2. Collection method: clinical testing. Allele origin: germline. Affected: yes. Observed: 1 variant allele.
Comment: MAN1B1: BP4

NM_016219.5(MAN1B1):c.731-6del

Gene: MAN1B1 (mannosidase alpha class 1B member 1; plus strand). Cytogenetic location: 9q34.3.
Variant type: Deletion.
Coding change: c.731-6del on transcript NM_016219.5 (MANE Select); 6 bases into the intron before coding-DNA position 731, one base deleted (T; older notation c.731-6delT).
Molecular consequence: intron variant.
Genome position (GRCh38, 1-based): chr9:137,099,690, T deleted. VCF-style (leftmost placement, unchanged base first): chr9-137099689-CT-C. GRCh37 (hg19) VCF-style: chr9-139994141-CT-C.
Identifiers: ClinVar variation 719811 (VCV000719811.31), dbSNP rs762904705, ClinGen allele CA5358772.